The following is an entry in ClinVar:

NM_002354.3(EPCAM):c.932A>T (p.Glu311Val)

Gene: EPCAM (epithelial cell adhesion molecule; plus strand). Cytogenetic location: 2p21.
Variant type: single nucleotide variant.
Coding change: c.932A>T on transcript NM_002354.3 (MANE Select); coding-DNA position 932, A replaced by T.
Protein change: p.Glu311Val; replaces glutamic acid 311 with valine.
Molecular consequence: missense variant.
Genome position (GRCh38, 1-based): chr2:47,386,600, A>T. VCF-style: chr2-47386600-A-T. GRCh37 (hg19) VCF-style: chr2-47613739-A-T.
Other names: short protein forms E311V.
Identifiers: ClinVar variation 5036030 (VCV005036030.1).

ClinVar aggregate classification (germline): Uncertain significance (1 of 4 stars; one submission).

Conditions:
Hereditary cancer-predisposing syndrome. Also called: Hereditary Cancer Syndrome; Neoplastic Syndromes, Hereditary; Tumor predisposition; Hereditary neoplastic syndrome. Identifiers: Orphanet 140162, MedGen C0027672, MeSH D009386, MONDO:0015356.

Submission:

Ambry Genetics
Classification: Uncertain significance for Hereditary cancer-predisposing syndrome. Last evaluated: 2026-08-03. Review status: criteria provided, single submitter. Criteria: Ambry Variant Classification Scheme 2023. Collection method: clinical testing. Allele origin: germline.
Comment: The p.E311V variant (also known as c.932A>T), located in coding exon 9 of the EPCAM gene, results from an A to T substitution at nucleotide position 932. The glutamic acid at codon 311 is replaced by valine, an amino acid with dissimilar properties. This amino acid position is conserved. In addition, the in silico prediction for this alteration is inconclusive. Based on the available evidence, the clinical significance of this variant remains unclear.